The following is an entry in ClinVar:

NM_001931.5(DLAT):c.635G>A (p.Gly212Asp)

Gene: DLAT (dihydrolipoamide S-acetyltransferase; plus strand). Cytogenetic location: 11q23.1.
Variant type: single nucleotide variant.
Coding change: c.635G>A on transcript NM_001931.5 (MANE Select); coding-DNA position 635, G replaced by A.
Protein change: p.Gly212Asp; replaces glycine 212 with aspartic acid.
Molecular consequence: missense variant. On other transcripts: non-coding transcript variant (1), intron variant (2).
Genome position (GRCh38, 1-based): chr11:112,028,920, G>A. VCF-style: chr11-112028920-G-A. GRCh37 (hg19) VCF-style: chr11-111899644-G-A.
Other names: c.635G>A, p.Gly212Asp (NM_001372031.1, NM_001372032.1, NM_001372033.1 and 3 more transcripts); c.602G>A, p.Gly201Asp (NM_001372034.1); c.509G>A, p.Gly170Asp (NM_001372036.1); c.467G>A, p.Gly156Asp (NM_001372037.1); c.173G>A, p.Gly58Asp (NM_001372042.1); c.381+2621G>A (NM_001372038.1); c.364+2638G>A (NM_001372040.1); short protein forms G201D, G170D, G156D, G212D, G58D.
Identifiers: ClinVar variation 2069549 (VCV002069549.2), dbSNP rs2498429309, ClinGen allele CA382602044.
Genomic context (GRCh38, chr11:112,028,920, plus strand): 5'-CCCCAGCACCAACCCCTGCTGCCACTGCTTCGCCACCTACACCTTCTGCTCAGGCTCCTG[G>A]TAGCTCATATCCCCCTCACATGCAGGTGAGGCTCAGCCTCTGAGTTTTTGCTCTAGGTGA-3'
Protein context (NP_001922.2, residues 202-222): SPPTPSAQAP[Gly212Asp]SSYPPHMQVL

ClinVar aggregate classification (germline): Uncertain significance (1 of 4 stars; one submission).

Conditions:
Pyruvate dehydrogenase E2 deficiency (PDHDD). Also called: Dihydrolipoamide Acetyltransferase (E2) Deficiency; LACTIC ACIDEMIA DUE TO DEFECT OF E2 LIPOYL TRANSACETYLASE OF THE PYRUVATE DEHYDROGENASE COMPLEX. Identifiers: Orphanet 765, Orphanet 79244, MedGen C1855565, MONDO:0009502, OMIM 245348.

Submission:

Labcorp Genetics (formerly Invitae), Labcorp
Classification: Uncertain significance for Pyruvate dehydrogenase E2 deficiency. Last evaluated: 2022-10-17. Review status: criteria provided, single submitter. Criteria: Invitae Variant Classification Sherloc (09022015). Collection method: clinical testing. Allele origin: germline.
Comment: This sequence change replaces glycine, which is neutral and non-polar, with aspartic acid, which is acidic and polar, at codon 212 of the DLAT protein (p.Gly212Asp). In summary, the available evidence is currently insufficient to determine the role of this variant in disease. Therefore, it has been classified as a Variant of Uncertain Significance. Advanced modeling of protein sequence and biophysical properties (such as structural, functional, and spatial information, amino acid conservation, physicochemical variation, residue mobility, and thermodynamic stability) performed at Invitae indicates that this missense variant is not expected to disrupt DLAT protein function. This variant has not been reported in the literature in individuals affected with DLAT-related conditions. This variant is not present in population databases (gnomAD no frequency).